The following is an entry in ClinVar:

NM_025114.4(CEP290):c.6889_6890insGA (p.Lys2297fs)

Gene: CEP290 (centrosomal protein 290; minus strand). Cytogenetic location: 12q21.32.
Variant type: Insertion.
Coding change: c.6889_6890insGA on transcript NM_025114.4 (MANE Select); coding-DNA positions 6889 to 6890, GA inserted.
Protein change: p.Lys2297fs; shifts the reading frame from lysine 2297.
Molecular consequence: frameshift variant.
Genome position: GRCh38 VCF-style: chr12-88055646-T-TTC. GRCh37 (hg19) VCF-style: chr12-88449423-T-TTC.
Other names: short protein forms K2297fs.
Identifiers: ClinVar variation 4064277 (VCV004064277.2).

ClinVar aggregate classification (germline): Likely pathogenic (1 of 4 stars; one submission).

Conditions:
Leber congenital amaurosis (LCA). Also called: Leber's amaurosis. Identifiers: Orphanet 65, MedGen C0339527, MeSH D057130, MONDO:0018998.

Submission:

Natera, Inc.
Classification: Likely pathogenic for Leber congenital amaurosis. Last evaluated: 2025-04-03. Review status: criteria provided, single submitter. Criteria: Natera Variant Classification Schema (03/2026). Collection method: clinical testing. Allele origin: germline.
Comment: The c.6889_6890insGA variant in CEP290 is a frameshift variant predicted to shift the reading frame beginning at codon 2297 and leads to a stop codon 5 codons downstream. This variant is expected to result in nonsense mediated decay, truncation, or a dysfunctional protein product. This variant is rare in the general population with a frequency below the threshold expected for the associated phenotype(s). Given the available evidence, this variant is classified as Likely Pathogenic.